The following is an entry in ClinVar:

NM_022168.4(IFIH1):c.1475G>A (p.Gly492Asp)

Gene: IFIH1 (interferon induced with helicase C domain 1; minus strand). Cytogenetic location: 2q24.2.
Variant type: single nucleotide variant.
Coding change: c.1475G>A on transcript NM_022168.4 (MANE Select); coding-DNA position 1475, G replaced by A.
Protein change: p.Gly492Asp; replaces glycine 492 with aspartic acid.
Molecular consequence: missense variant.
Genome position (GRCh38, 1-based): chr2:162,281,377, C>T on the plus strand (G>A on the coding strand, the complement: IFIH1 is on the minus strand). VCF-style: chr2-162281377-C-T. GRCh37 (hg19) VCF-style: chr2-163137887-C-T.
Other names: c.1475G>A, p.Gly492Asp (LRG_1235t1); short protein forms G492D.
Identifiers: ClinVar variation 663443 (VCV000663443.11), dbSNP rs1474848285, ClinGen allele CA349002114.

ClinVar aggregate classification (germline): Uncertain significance. Review status: criteria provided, multiple submitters, no conflicts (2 of 4 stars). 3 submissions from 3 submitters: Uncertain significance (3). Last evaluated 2025-08-14.

Conditions:
Singleton-Merten syndrome 1 (SGMRT1). Also called: Widened medullary cavities of bone, aortic calcification, abnormal dentition, and muscular weakness; Syndrome of widened medullary cavities of the metacarpals and phalanges, aortic calcification and abnormal dentition. Identifiers: Orphanet 85191, MedGen C4225427, MONDO:0024535, OMIM 182250.
Aicardi-Goutieres syndrome 7 (AGS7). Identifiers: Orphanet 51, MedGen C3888244, MONDO:0014367, OMIM 615846.

Allele frequency attached by ClinVar (database versions not stated): gnomAD exomes below 0.00001; TOPMed below 0.00001.
gnomAD v4.1: 6 of 1,612,744 alleles (0.00037%); highest among the groups gnomAD compares: East Asian, 0.011%; no homozygotes.

Submissions (3):

Labcorp Genetics (formerly Invitae), Labcorp
Classification: Uncertain significance for Aicardi-Goutieres syndrome 7; Singleton-Merten syndrome 1. Last evaluated: 2025-08-14. Review status: criteria provided, single submitter. Criteria: Invitae Variant Classification Sherloc (09022015). Collection method: clinical testing. Allele origin: germline.
Comment: This sequence change replaces glycine, which is neutral and non-polar, with aspartic acid, which is acidic and polar, at codon 492 of the IFIH1 protein (p.Gly492Asp). This variant is present in population databases (no rsID available, gnomAD 0.006%). This variant has not been reported in the literature in individuals affected with IFIH1-related conditions. This missense change has been observed in at least one individual who was not affected with IFIH1-related conditions (internal data). ClinVar contains an entry for this variant (Variation ID: 663443). Invitae Evidence Modeling of protein sequence and biophysical properties (such as structural, functional, and spatial information, amino acid conservation, physicochemical variation, residue mobility, and thermodynamic stability) has been performed for this missense variant. However, the output from this modeling did not meet the statistical confidence thresholds required to predict the impact of this variant on IFIH1 protein function. In summary, the available evidence is currently insufficient to determine the role of this variant in disease. Therefore, it has been classified as a Variant of Uncertain Significance.

Blueprint Genetics
Classification: Uncertain significance. Last evaluated: 2023-05-09. Review status: criteria provided, single submitter. Criteria: ACMG Guidelines, 2015. Collection method: clinical testing. Allele origin: germline.

GeneDx
Classification: Uncertain significance. Last evaluated: 2022-04-05. Review status: criteria provided, single submitter. Criteria: GeneDx Variant Classification Process June 2021. Collection method: clinical testing. Allele origin: germline. Affected: yes.
Comment: In silico analysis supports that this missense variant has a deleterious effect on protein structure/function; Has not been previously published as pathogenic or benign to our knowledge